The following is an entry in ClinVar:

ClinVar aggregate classification (germline): Pathogenic (0 of 4 stars; one submission).

Conditions:
POLR3B-related disorder. Also called: POLR3B-related condition; POLR3B-related disorders. Identifiers: MedGen CN378588, MONDO:0700277.
Charcot-Marie-Tooth disease, demyelinating, IIA 1I. Also called: Charcot-Marie-Tooth disease, demyelinating, type 1I; CHARCOT-MARIE-TOOTH NEUROPATHY, TYPE 1I. Identifiers: MedGen C5676914, MONDO:0030677, OMIM 619742.

Submission:

OMIM
Classification: Pathogenic for CHARCOT-MARIE-TOOTH DISEASE, DEMYELINATING, TYPE 1I. Last evaluated: 2022-06-17. Review status: no assertion criteria provided. Collection method: literature only. Allele origin: germline.

Literature cited by the submitters: PubMed 35395209 (cited by OMIM).

NM_018082.6(POLR3B):c.1094C>T (p.Ala365Val)

Gene: POLR3B (RNA polymerase III subunit B; plus strand). Cytogenetic location: 12q23.3.
Variant type: single nucleotide variant.
Coding change: c.1094C>T on transcript NM_018082.6 (MANE Select); coding-DNA position 1094, C replaced by T.
Protein change: p.Ala365Val; replaces alanine 365 with valine.
Molecular consequence: missense variant.
Genome position (GRCh38, 1-based): chr12:106,410,953, C>T. VCF-style: chr12-106410953-C-T. GRCh37 (hg19) VCF-style: chr12-106804731-C-T.
Other names: c.920C>T, p.Ala307Val (NM_001160708.2); short protein forms A365V, A307V.
Identifiers: ClinVar variation 972978 (VCV000972978.4), dbSNP rs2037218302, ClinGen allele CA386387597.